The following is an entry in ClinVar:

ClinVar aggregate classification (germline): Uncertain significance (1 of 4 stars; one submission).

Submission:

Labcorp Genetics (formerly Invitae), Labcorp
Classification: Uncertain significance. Last evaluated: 2025-04-11. Review status: criteria provided, single submitter. Criteria: Invitae Variant Classification Sherloc (09022015). Collection method: clinical testing. Allele origin: germline.
Comment: This sequence change creates a premature translational stop signal (p.Arg192Profs*16) in the BLK gene. It is expected to result in an absent or disrupted protein product. However, the current clinical and genetic evidence is not sufficient to establish whether loss-of-function variants in BLK cause disease. The frequency data for this variant in the population databases is considered unreliable, as metrics indicate poor data quality at this position in the gnomAD database. This variant has not been reported in the literature in individuals affected with BLK-related conditions. In summary, the available evidence is currently insufficient to determine the role of this variant in disease. Therefore, it has been classified as a Variant of Uncertain Significance.

NM_001715.3(BLK):c.574dup (p.Arg192fs)

Genes: BLK (BLK proto-oncogene, Src family tyrosine kinase), BLK-AS1 (BLK antisense RNA 1). Cytogenetic location: 8p23.1.
Variant type: Duplication.
Coding change: c.574dup on transcript NM_001715.3 (MANE Select); coding-DNA position 574, one base duplicated.
Protein change: p.Arg192fs; shifts the reading frame from arginine 192.
Molecular consequence: frameshift variant.
Genome position: GRCh38 VCF-style: chr8-11554838-T-TC. GRCh37 (hg19) VCF-style: chr8-11412347-T-TC.
Other names: c.361dup, p.Arg121fs (NM_001330465.2); short protein forms R121fs, R192fs.
Identifiers: ClinVar variation 4698883 (VCV004698883.1).